The following is an entry in ClinVar:

NM_001365480.1(CCDC88A):c.455C>T (p.Thr152Ile)

Gene: CCDC88A (coiled-coil and HOOK domain protein 88A; minus strand). Cytogenetic location: 2p16.1.
Variant type: single nucleotide variant.
Coding change: c.455C>T on transcript NM_001365480.1 (MANE Select); coding-DNA position 455, C replaced by T.
Protein change: p.Thr152Ile; replaces threonine 152 with isoleucine.
Molecular consequence: missense variant.
Genome position (GRCh38, 1-based): chr2:55,363,981, G>A on the plus strand (C>T on the coding strand, the complement: CCDC88A is on the minus strand). VCF-style: chr2-55363981-G-A. GRCh37 (hg19) VCF-style: chr2-55591117-G-A.
Other names: c.455C>T, p.Thr152Ile (NM_001135597.2, NM_001254943.2, NM_018084.5); c.455C>T (NM_001135597.1); short protein forms T152I.
Identifiers: ClinVar variation 1381194 (VCV001381194.6), dbSNP rs745491323, ClinGen allele CA1666382.

ClinVar aggregate classification (germline): Uncertain significance. Review status: criteria provided, multiple submitters, no conflicts (2 of 4 stars). 2 submissions from 2 submitters: Uncertain significance (2). Last evaluated 2025-12-04.

Allele frequency attached by ClinVar (database versions not stated): gnomAD 0.00001; gnomAD exomes 0.00002; ExAC 0.00003.
gnomAD v4.1: 35 of 1,598,010 alleles (0.0022%); highest among the groups gnomAD compares: Non-Finnish European, 0.0027%; no homozygotes.

Submissions (2):

Ambry Genetics
Classification: Uncertain significance. Last evaluated: 2025-12-04. Review status: criteria provided, single submitter. Criteria: Ambry Variant Classification Scheme 2023. Collection method: clinical testing. Allele origin: germline.

Labcorp Genetics (formerly Invitae), Labcorp
Classification: Uncertain significance. Last evaluated: 2021-09-01. Review status: criteria provided, single submitter. Criteria: Invitae Variant Classification Sherloc (09022015). Collection method: clinical testing. Allele origin: germline.
Comment: This sequence change replaces threonine with isoleucine at codon 152 of the CCDC88A protein (p.Thr152Ile). The threonine residue is highly conserved and there is a moderate physicochemical difference between threonine and isoleucine. This variant is present in population databases (rs745491323, ExAC 0.006%). This variant has not been reported in the literature in individuals affected with CCDC88A-related conditions. Algorithms developed to predict the effect of missense changes on protein structure and function are either unavailable or do not agree on the potential impact of this missense change (SIFT: "Deleterious"; PolyPhen-2: "Benign"; Align-GVGD: "Class C0"). In summary, the available evidence is currently insufficient to determine the role of this variant in disease. Therefore, it has been classified as a Variant of Uncertain Significance.